The following is an entry in ClinVar:

NM_001164508.2(NEB):c.17242C>T (p.Arg5748Trp)

Gene: NEB (nebulin; minus strand). Cytogenetic location: 2q23.3.
Variant type: single nucleotide variant.
Coding change: c.17242C>T on transcript NM_001164508.2 (MANE Select); coding-DNA position 17242, C replaced by T.
Protein change: p.Arg5748Trp; replaces arginine 5748 with tryptophan.
Molecular consequence: missense variant.
Genome position (GRCh38, 1-based): chr2:151,570,269, G>A on the plus strand (C>T on the coding strand, the complement: NEB is on the minus strand). VCF-style: chr2-151570269-G-A. GRCh37 (hg19) VCF-style: chr2-152426783-G-A.
Other names: c.12139C>T (NM_004543.4); c.17242C>T, p.Arg5748Trp (NM_001164507.2, NM_001271208.2); c.12139C>T, p.Arg4047Trp (NM_004543.5); short protein forms R5748W, R4047W.
Identifiers: ClinVar variation 570939 (VCV000570939.14), dbSNP rs546869744, ClinGen allele CA1908255.

ClinVar aggregate classification (germline): Conflicting classifications of pathogenicity. Review status: criteria provided, conflicting classifications (1 of 4 stars). 6 submissions from 6 submitters: Uncertain significance (4); Likely benign (1). 1 of the submissions does not count toward it. Last evaluated 2025-10-02.

Conditions:
Arthrogryposis multiplex congenita 6. Identifiers: MedGen C5543431, MONDO:0030281, OMIM 619334.
Inborn genetic diseases. Identifiers: MedGen C0950123, MeSH D030342.
Nemaline myopathy 2 (NEM2). Also called: Nemaline myopathy 2, autosomal recessive. Identifiers: MedGen C1850569, MONDO:0009725, OMIM 256030.

Allele frequency attached by ClinVar (database versions not stated): TOPMed 0.00002; gnomAD 0.00010 and 0.00011.
gnomAD v4.1: 91 of 1,613,598 alleles (0.0056%); highest among the groups gnomAD compares: Admixed American, 0.0067%; no homozygotes.

Submissions (6):

Labcorp Genetics (formerly Invitae), Labcorp
Classification: Likely benign for Nemaline myopathy 2. Last evaluated: 2025-10-02. Review status: criteria provided, single submitter. Criteria: Invitae Variant Classification Sherloc (09022015). Collection method: clinical testing. Allele origin: germline.

Neuberg Centre For Genomic Medicine, NCGM
Classification: Uncertain significance for Arthrogryposis multiplex congenita 6. Last evaluated: 2023-02-14. Review status: criteria provided, single submitter. Criteria: ACMG Guidelines, 2015. Collection method: clinical testing. Allele origin: germline. Inheritance: Autosomal recessive inheritance. Affected: yes.
Comment: The missense variant c.17242C>T (p.Arg5748Trp) in the NEB gene has not been reported previously as a pathogenic variant nor as a benign variant, to our knowledge. The variant is novel (not in any individuals) in gnomAD Exomes and 1000 Genomes. This variant has been reported to the ClinVar database as Uncertain Significance/Likely Benign. However, no details are available for independent assessment. The amino acid Arginine at position 5748 is changed to a Tryptophan changing protein sequence and it might alter its composition and physico- chemical properties. The variant is predicted as damaging by SIFT. The amino acid change p.Arg5748Trp in NEB is predicted as conserved by GERP++ and PhyloP across 100 vertebrates. For these reasons, this variant has been classified as Uncertain Significance.

Ambry Genetics
Classification: Uncertain significance for Inborn genetic diseases. Last evaluated: 2022-10-12. Review status: criteria provided, single submitter. Criteria: Ambry Variant Classification Scheme 2023. Collection method: clinical testing. Allele origin: germline.

Revvity Omics, Revvity
Classification: Uncertain significance. Last evaluated: 2021-08-11. Review status: criteria provided, single submitter. Criteria: ACMG Guidelines, 2015. Collection method: clinical testing. Allele origin: germline.

GeneDx
Classification: Uncertain significance. Last evaluated: 2021-03-19. Review status: criteria provided, single submitter. Criteria: GeneDx Variant Classification Process June 2021. Collection method: clinical testing. Allele origin: germline. Affected: yes.
Comment: In silico analysis supports that this missense variant has a deleterious effect on protein structure/function; Has not been previously reported in a peer-reviewed literature as pathogenic or benign to our knowledge

Natera, Inc.
Classification: Uncertain significance for Nemaline myopathy type 2. Last evaluated: 2019-11-11. Review status: no assertion criteria provided. Collection method: clinical testing. Allele origin: germline. Not counted in ClinVar's aggregate classification.